The following is an entry in ClinVar:

ClinVar aggregate classification (germline): Pathogenic (1 of 4 stars; one submission).

Conditions:
Primary ciliary dyskinesia. Also called: Ciliary dyskinesia. Identifiers: Orphanet 244, MedGen C0008780, MONDO:0016575, HP:0012265.

Submission:

Labcorp Genetics (formerly Invitae), Labcorp
Classification: Pathogenic for Primary ciliary dyskinesia. Last evaluated: 2025-09-10. Review status: criteria provided, single submitter. Criteria: Invitae Variant Classification Sherloc (09022015). Collection method: clinical testing. Allele origin: germline.
Comment: This sequence change creates a premature translational stop signal (p.Ala184Cysfs*6) in the DNAH8 gene. It is expected to result in an absent or disrupted protein product. Loss-of-function variants in DNAH8 are known to be pathogenic (PMID: 24307375, 32619401, 32681648). The frequency data for this variant in the population databases is considered unreliable, as metrics indicate poor data quality at this position in the gnomAD database. This variant has not been reported in the literature in individuals affected with DNAH8-related conditions. ClinVar contains an entry for this variant (Variation ID: 2160631). For these reasons, this variant has been classified as Pathogenic.

Literature cited by the submitters: PubMed 24307375; PubMed 32619401; PubMed 32681648.

NM_001206927.2(DNAH8):c.549dup (p.Ala184fs)

Gene: DNAH8 (dynein axonemal heavy chain 8; plus strand). Cytogenetic location: 6p21.2.
Variant type: Duplication.
Coding change: c.549dup on transcript NM_001206927.2 (MANE Select); coding-DNA position 549, one base duplicated (T; older notation c.549dupT).
Protein change: p.Ala184fs; shifts the reading frame from alanine 184.
Molecular consequence: frameshift variant. On other transcripts: intron variant (1).
Genome position (GRCh38, 1-based): chr6:38,729,925, T duplicated; the last of 7 consecutive T bases (chr6:38,729,919-38,729,925); duplicating any one gives the same sequence. VCF-style (leftmost placement, unchanged base first): chr6-38729918-A-AT. GRCh37 (hg19) VCF-style: chr6-38697694-A-AT.
Other names: c.-41-4549dup (NM_001371.4); short protein forms A184fs.
Identifiers: ClinVar variation 2160631 (VCV002160631.4), dbSNP rs1032638497, ClinGen allele CA137571786.
Genomic context (GRCh38, chr6:38,729,918, plus strand): 5'-TTTTCCTTAGTCGTTTGATTATCATTTTCTCTTTTATTTAACAGCTGGAAGCATTTACTA[A>AT]TTTTTTTGCGAAAGATGGTTGTAAGACACTGAAATTTTTGTACCAAGAAGGAGATGTACC-3'